The following is an entry in ClinVar:

ClinVar aggregate classification (germline): Likely benign (0 of 4 stars; one submission).

Conditions:
MUC16-related disorder. Also called: MUC16-related condition.

Submission:

PreventionGenetics, part of Exact Sciences
Classification: Likely benign for MUC16-related condition. Last evaluated: 2019-03-25. Review status: no assertion criteria provided. Collection method: clinical testing. Allele origin: germline.
Comment: This variant is classified as likely benign based on ACMG/AMP sequence variant interpretation guidelines (Richards et al. 2015 PMID: 25741868, with internal and published modifications).

NM_001401501.2(MUC16):c.1776C>A (p.Thr592=)

Gene: MUC16 (mucin 16, cell surface associated; minus strand). Cytogenetic location: 19p13.2.
Variant type: single nucleotide variant.
Coding change: c.1776C>A on transcript NM_001401501.2 (MANE Select); coding-DNA position 1776, C replaced by A.
Protein change: p.Thr592=; no amino-acid change (threonine 592 retained).
Molecular consequence: synonymous variant.
Genome position (GRCh38, 1-based): chr19:8,979,483, G>T on the plus strand (C>A on the coding strand, the complement: MUC16 is on the minus strand). VCF-style: chr19-8979483-G-T. GRCh37 (hg19) VCF-style: chr19-9090159-G-T.
Other names: c.2202C>A, p.Thr734= (NM_001414686.1); c.1656C>A, p.Thr552= (NM_001414687.1, NM_024690.2).
Identifiers: ClinVar variation 3046966 (VCV003046966.2), dbSNP rs753240253, ClinGen allele CA505431577.